The following is an entry in ClinVar:

ClinVar aggregate classification (germline): Likely pathogenic (1 of 4 stars; one submission).

Submission:

Labcorp Genetics (formerly Invitae), Labcorp
Classification: Likely pathogenic. Last evaluated: 2023-11-04. Review status: criteria provided, single submitter. Criteria: Invitae Variant Classification Sherloc (09022015). Collection method: clinical testing. Allele origin: germline.
Comment: This sequence change affects an acceptor splice site in intron 10 of the SLC5A5 gene. It is expected to disrupt RNA splicing. Variants that disrupt the donor or acceptor splice site typically lead to a loss of protein function (PMID: 16199547), and loss-of-function variants in SLC5A5 are known to be pathogenic (PMID: 9388506, 9486973). This variant is not present in population databases (gnomAD no frequency). This variant has not been reported in the literature in individuals affected with SLC5A5-related conditions. Algorithms developed to predict the effect of sequence changes on RNA splicing suggest that this variant may disrupt the consensus splice site. In summary, the currently available evidence indicates that the variant is pathogenic, but additional data are needed to prove that conclusively. Therefore, this variant has been classified as Likely Pathogenic.

Literature cited by the submitters: PubMed 16199547; PubMed 9388506; PubMed 9486973.

NM_000453.3(SLC5A5):c.1243-1G>T

Gene: SLC5A5 (solute carrier family 5 member 5; plus strand). Cytogenetic location: 19p13.11.
Variant type: single nucleotide variant.
Coding change: c.1243-1G>T on transcript NM_000453.3 (MANE Select); the canonical splice acceptor site of the intron before coding-DNA position 1243, G replaced by T.
Molecular consequence: splice acceptor variant.
Genome position (GRCh38, 1-based): chr19:17,883,680, G>T. VCF-style: chr19-17883680-G-T. GRCh37 (hg19) VCF-style: chr19-17994489-G-T.
Identifiers: ClinVar variation 2693188 (VCV002693188.3), dbSNP rs2514636796, ClinGen allele CA404767697.
Genomic context (GRCh38, chr19:17,883,680, plus strand): 5'-ACTGAGGCCCAGAGCGGTGGGAGGGCTCCGCCCTCAGCCCCACTTCCACCTACTCTCCCA[G>T]GGCTCCTTCACCGTCATGGGAGTCATCAGCGGCCCCCTGCTGGGAGCCTTCATCTTGGGA-3'